The following is an entry in ClinVar:

ClinVar aggregate classification (germline): Likely benign. Review status: criteria provided, multiple submitters, no conflicts (2 of 4 stars). 2 submissions from 2 submitters: Likely benign (2). Last evaluated 2018-01-12.

Conditions:
Retinitis pigmentosa (RP). Identifiers: Orphanet 791, MedGen C0035334, MeSH D012174, MONDO:0019200, OMIM 268000. Inheritance: Autosomal dominant, autosomal recessive and X linked inheritance.

Allele frequency attached by ClinVar (database versions not stated): 1000 Genomes Project 30x 0.05606; 1000 Genomes Project 0.05791; gnomAD 0.06925 and 0.06965; TOPMed 0.07080; gnomAD exomes 0.07303.
gnomAD v4.1: 11,845 of 168,104 alleles (7%); highest among the groups gnomAD compares: Middle Eastern, 13%; 494 homozygotes.

Submissions (2):

Illumina Laboratory Services, Illumina
Classification: Likely benign for Retinitis pigmentosa. Last evaluated: 2018-01-12. Review status: criteria provided, single submitter. Criteria: ICSL Variant Classification Criteria 13 December 2019. Collection method: clinical testing. Allele origin: germline.
Comment: This variant was observed in the ICSL laboratory as part of a predisposition screen in an ostensibly healthy population. It had not been previously curated by ICSL or reported in the Human Gene Mutation Database (HGMD: prior to June 1st, 2018), and was therefore a candidate for classification through an automated scoring system. Utilizing variant allele frequency, disease prevalence and penetrance estimates, and inheritance mode, an automated score was calculated to assess if this variant is too frequent to cause the disease. Based on the score and internal cut-off values, a variant classified as likely benign is not then subjected to further curation. The score for this variant resulted in a classification of likely benign for this disease.

Breakthrough Genomics
Classification: Likely benign. Review status: criteria provided, single submitter. Criteria: ACMG Guidelines, 2015. Collection method: not provided. Allele origin: germline. Inheritance: Autosomal recessive inheritance. Affected: yes.

NM_001297.5(CNGB1):c.*595C>G

Gene: CNGB1 (cyclic nucleotide gated channel subunit beta 1; minus strand). Cytogenetic location: 16q21.
Variant type: single nucleotide variant.
Coding change: c.*595C>G on transcript NM_001297.5 (MANE Select); 595 bases downstream of the stop codon, C replaced by G.
Molecular consequence: 3 prime UTR variant.
Genome position (GRCh38, 1-based): chr16:57,883,569, G>C on the plus strand (C>G on the coding strand, the complement: CNGB1 is on the minus strand). VCF-style: chr16-57883569-G-C. GRCh37 (hg19) VCF-style: chr16-57917473-G-C.
Other names: c.*595C>G (NM_001286130.2).
Identifiers: ClinVar variation 887037 (VCV000887037.5), dbSNP rs79806773, ClinGen allele CA14221522.